The following is an entry in ClinVar:

ClinVar aggregate classification (germline): Uncertain significance. Review status: criteria provided, multiple submitters, no conflicts (2 of 4 stars). 2 submissions from 2 submitters: Uncertain significance (2). Last evaluated 2023-08-15.

Conditions:
Malignant hyperthermia, susceptibility to, 5 (MHS5). Also called: CACNA1S-Related Malignant Hyperthermia Susceptibility. Identifiers: Orphanet 423, MedGen C1866077, MONDO:0011163, OMIM 601887.
Hypokalemic periodic paralysis, type 1. Also called: HypoPP; Hypokalemic Periodic Paralysis Type 1 (AD). Identifiers: Orphanet 681, MedGen C3714580, MONDO:0042979, OMIM 170400.

Allele frequency attached by ClinVar (database versions not stated): gnomAD exomes below 0.00001 and 0.00001; gnomAD 0.00002; TOPMed 0.00003.
gnomAD v4.1: 6 of 1,614,058 alleles (0.00037%); highest among the groups gnomAD compares: African/African-American, 0.008%; no homozygotes.

Submissions (2):

All of Us Research Program, National Institutes of Health
Classification: Uncertain significance for Malignant hyperthermia, susceptibility to, 5. Last evaluated: 2023-08-15. Review status: criteria provided, single submitter. Criteria: ACMG Guidelines, 2015. Collection method: clinical testing. Allele origin: germline. Inheritance: Autosomal dominant inheritance. Observed: 2 variant alleles, 2 heterozygotes.
Comment: This missense variant replaces threonine with alanine at codon 1351 of the CACNA1S protein. Computational prediction is inconclusive regarding the impact of this variant on protein structure and function (internally defined REVEL score threshold 0.5 < inconclusive < 0.7, PMID: 27666373). To our knowledge, functional studies have not been reported for this variant. This variant has not been reported in individuals affected with CACNA1S-related disorders in the literature. This variant has been identified in 2/251492 chromosomes in the general population by the Genome Aggregation Database (gnomAD). The available evidence is insufficient to determine the role of this variant in disease conclusively. Therefore, this variant is classified as a Variant of Uncertain Significance.

This study involves interpretation of variants in research participants for the purpose of population health screening. Participant phenotype was not available at the time of variant classification. Additional details can be found in publication PMID: 35346344, PMCID: PMC8962531

Labcorp Genetics (formerly Invitae), Labcorp
Classification: Uncertain significance for Hypokalemic periodic paralysis, type 1; Malignant hyperthermia, susceptibility to, 5. Last evaluated: 2018-03-13. Review status: criteria provided, single submitter. Criteria: Invitae Variant Classification Sherloc (09022015). Collection method: clinical testing. Allele origin: germline.
Comment: This variant has not been reported in the literature in individuals with CACNA1S-related disease. This variant is not present in population databases (ExAC no frequency). This sequence change replaces threonine with alanine at codon 1351 of the CACNA1S protein (p.Thr1351Ala). The threonine residue is highly conserved and there is a small physicochemical difference between threonine and alanine. Algorithms developed to predict the effect of missense changes on protein structure and function (SIFT, Align-GVGD) all suggest that this variant is likely to be tolerated, but these predictions have not been confirmed by published functional studies and their clinical significance is uncertain. In summary, the available evidence is currently insufficient to determine the role of this variant in disease. Therefore, it has been classified as a Variant of Uncertain Significance.

NM_000069.3(CACNA1S):c.4051A>G (p.Thr1351Ala)

Gene: CACNA1S (calcium voltage-gated channel subunit alpha1 S; minus strand). Cytogenetic location: 1q32.1.
Variant type: single nucleotide variant.
Coding change: c.4051A>G on transcript NM_000069.3 (MANE Select); coding-DNA position 4051, A replaced by G.
Protein change: p.Thr1351Ala; replaces threonine 1351 with alanine.
Molecular consequence: missense variant.
Genome position (GRCh38, 1-based): chr1:201,051,046, T>C on the plus strand (A>G on the coding strand, the complement: CACNA1S is on the minus strand). VCF-style: chr1-201051046-T-C. GRCh37 (hg19) VCF-style: chr1-201020174-T-C.
Other names: short protein forms T1351A.
Identifiers: ClinVar variation 565480 (VCV000565480.10), dbSNP rs1251857483, ClinGen allele CA344150115.